The following is an entry in ClinVar:

ClinVar aggregate classification (germline): Uncertain significance (1 of 4 stars; one submission).

Submission:

Dasa
Classification: Uncertain significance. Last evaluated: 2025-10-16. Review status: criteria provided, single submitter. Criteria: DASA Assertion Criteria. Collection method: clinical testing. Allele origin: germline.
Comment: NM_032217.5(ANKRD17):c.7649G>T (p.Gly2550Val) is a missense variant that results in the substitution of glycine with valine. This variant is rare in population databases. Computational prediction algorithms are consistent with a benign effect. The currently available literature and clinical evidence are not sufficient to establish a definitive association between this variant and the reported condition. Therefore, this variant is classified as a variant of uncertain significance.

NM_032217.5(ANKRD17):c.7649G>T (p.Gly2550Val)

Gene: ANKRD17 (ankyrin repeat domain 17; minus strand). Cytogenetic location: 4q13.3.
Variant type: single nucleotide variant.
Coding change: c.7649G>T on transcript NM_032217.5 (MANE Select); coding-DNA position 7649, G replaced by T.
Protein change: p.Gly2550Val; replaces glycine 2550 with valine.
Molecular consequence: missense variant.
Genome position (GRCh38, 1-based): chr4:73,077,043, C>A on the plus strand (G>T on the coding strand, the complement: ANKRD17 is on the minus strand). VCF-style: chr4-73077043-C-A. GRCh37 (hg19) VCF-style: chr4-73942760-C-A.
Other names: c.7310G>T, p.Gly2437Val (NM_001286771.3); c.7646G>T, p.Gly2549Val (NM_015574.2); c.6896G>T, p.Gly2299Val (NM_198889.3); short protein forms G2299V, G2437V, G2549V, G2550V.
Identifiers: ClinVar variation 4856860 (VCV004856860.2).